The following is an entry in ClinVar:

NM_053025.4(MYLK):c.739del (p.Glu247fs)

Gene: MYLK (myosin light chain kinase; minus strand). Cytogenetic location: 3q21.1.
Variant type: Deletion.
Coding change: c.739del on transcript NM_053025.4 (MANE Select); coding-DNA position 739, one base deleted (G; older notation c.739delG).
Protein change: p.Glu247fs; shifts the reading frame from glutamic acid 247.
Molecular consequence: frameshift variant.
Genome position (GRCh38, 1-based): chr3:123,737,393, C deleted on the plus strand (G on the coding strand, the reverse complement: MYLK is on the minus strand). VCF-style (leftmost placement, unchanged base first): chr3-123737392-TC-T. GRCh37 (hg19) VCF-style: chr3-123456239-TC-T.
Other names: c.211del, p.Glu71fs (NM_001321309.2); c.739del, p.Glu247fs (NM_053026.4, NM_053027.4, NM_053028.4); short protein forms E71fs, E247fs.
Identifiers: ClinVar variation 959609 (VCV000959609.9), dbSNP rs2062712554, ClinGen allele CA1139658239.
Genomic context (GRCh38, chr3:123,737,392, plus strand): 5'-GCACCAGGCAGGGATCGTTCTGCACTAGCCGTCCACTGGTCGATACCTTGGATGGAAAGT[TC>T]AGCTGACATCGAGGCCTTCCCCGACCCGTTCACCACCAGGCACGTGTACACTCCCACGTC-3'

ClinVar aggregate classification (germline): Uncertain significance (1 of 4 stars; one submission).

Conditions:
Aortic aneurysm, familial thoracic 7 (AAT7). Also called: AORTIC DISSECTION, FAMILIAL, WITH OR WITHOUT AORTIC ANEURYSM. Identifiers: MedGen C3151077, MONDO:0013418, OMIM 613780.

Submission:

Labcorp Genetics (formerly Invitae), Labcorp
Classification: Uncertain significance for Aortic aneurysm, familial thoracic 7. Last evaluated: 2019-07-19. Review status: criteria provided, single submitter. Criteria: Invitae Variant Classification Sherloc (09022015). Collection method: clinical testing. Allele origin: germline.
Comment: This variant has not been reported in the literature in individuals with MYLK-related conditions. This variant occurs in the long isoform of MYLK (PMID: 21055718). The current clinical and genetic evidence is not sufficient to establish whether loss-of-function variants in the long isoform of MYLK cause disease. In summary, the available evidence is currently insufficient to determine the role of this variant in disease. Therefore, it has been classified as a Variant of Uncertain Significance. This variant is not present in population databases (ExAC no frequency). This sequence change creates a premature translational stop signal (p.Glu247Asnfs*15) in the MYLK gene. It is expected to result in an absent or disrupted protein product.

Literature cited by the submitters: PubMed 21055718.